The following is an entry in ClinVar:

NM_020975.6(RET):c.2580G>A (p.Gln860=)

Gene: RET (ret proto-oncogene; plus strand). Cytogenetic location: 10q11.21.
Variant type: single nucleotide variant.
Coding change: c.2580G>A on transcript NM_020975.6 (MANE Select); coding-DNA position 2580, G replaced by A.
Protein change: p.Gln860=; no amino-acid change (glutamine 860 retained).
Molecular consequence: synonymous variant.
Genome position (GRCh38, 1-based): chr10:43,119,718, G>A. VCF-style: chr10-43119718-G-A. GRCh37 (hg19) VCF-style: chr10-43615166-G-A.
Other names: c.2580G>A, p.Gln860= (NM_000323.2, NM_001406743.1, NM_001406744.1 and 4 more transcripts); c.1818G>A, p.Gln606= (NM_001355216.2); c.2451G>A, p.Gln817= (NM_001406761.1, NM_001406762.1, NM_001406764.1); c.2445G>A, p.Gln815= (NM_001406763.1, NM_001406765.1); c.2292G>A, p.Gln764= (NM_001406766.1, NM_001406767.1, NM_001406770.1); c.2316G>A, p.Gln772= (NM_001406768.1); c.2184G>A, p.Gln728= (NM_001406769.1, NM_001406772.1); c.2142G>A, p.Gln714= (NM_001406771.1, NM_001406773.1); and 10 more.
Identifiers: ClinVar variation 299899 (VCV000299899.20), dbSNP rs886046988, ClinGen allele CA10635722.

ClinVar aggregate classification (germline): Benign/Likely benign. Review status: criteria provided, multiple submitters, no conflicts (2 of 4 stars). 4 submissions from 4 submitters: Benign (1); Likely benign (3). Last evaluated 2025-05-04.

Conditions:
Hereditary cancer-predisposing syndrome. Also called: Tumor predisposition; Hereditary Cancer Syndrome; Hereditary neoplastic syndrome; Neoplastic Syndromes, Hereditary. Identifiers: Orphanet 140162, MedGen C0027672, MeSH D009386, MONDO:0015356.
Multiple endocrine neoplasia, type 2 (MEN2). Identifiers: Orphanet 653, MedGen C4048306, MONDO:0019003. Disease mechanism: gain of function.
Multiple endocrine neoplasia type 2A. Also called: MULTIPLE ENDOCRINE NEOPLASIA, TYPE IIA; PTC SYNDROME; SIPPLE SYNDROME; MEN 2A; MEN-2A syndrome; Pheochromocytoma and amyloid producing medullary thyroid carcinoma. Identifiers: Orphanet 247698, Orphanet 653, MedGen C0025268, MeSH D018813, MONDO:0008234, OMIM 171400.

Allele frequency attached by ClinVar (database versions not stated): gnomAD exomes below 0.00001.
gnomAD v4.1: 5 of 1,613,500 alleles (0.00031%); highest among the groups gnomAD compares: Non-Finnish European, 0.00042%; no homozygotes.

Submissions (4):

Labcorp Genetics (formerly Invitae), Labcorp
Classification: Likely benign for Multiple endocrine neoplasia, type 2. Last evaluated: 2025-05-04. Review status: criteria provided, single submitter. Criteria: Invitae Variant Classification Sherloc (09022015). Collection method: clinical testing. Allele origin: germline.

Myriad Genetics, Inc.
Classification: Benign for Multiple endocrine neoplasia type 2A. Last evaluated: 2025-02-27. Review status: criteria provided, single submitter. Criteria: Myriad Autosomal Dominant, Autosomal Recessive and X-Linked Classification Criteria (2023). Collection method: clinical testing. Allele origin: unknown.
Comment: This variant is considered benign. This variant is a silent/synonymous amino acid change and it is not expected to impact splicing.

All of Us Research Program, National Institutes of Health
Classification: Likely benign for Multiple endocrine neoplasia, type 2. Last evaluated: 2024-06-09. Review status: criteria provided, single submitter. Criteria: ACMG Guidelines, 2015. Collection method: clinical testing. Allele origin: germline. Inheritance: Autosomal dominant inheritance. Observed: 1 variant allele, 1 heterozygote.
Comment: This study involves interpretation of variants in research participants for the purpose of population health screening. Participant phenotype was not available at the time of variant classification. Additional details can be found in publication PMID: 35346344, PMCID: PMC8962531

Ambry Genetics
Classification: Likely benign for Hereditary cancer-predisposing syndrome. Last evaluated: 2020-07-28. Review status: criteria provided, single submitter. Criteria: Ambry Variant Classification Scheme 2023. Collection method: clinical testing. Allele origin: germline.